The following is an entry in ClinVar:

NM_014989.7(RIMS1):c.3724C>A (p.Pro1242Thr)

Gene: RIMS1 (regulating synaptic membrane exocytosis 1; plus strand). Cytogenetic location: 6q13.
Variant type: single nucleotide variant.
Coding change: c.3724C>A on transcript NM_014989.7 (MANE Select); coding-DNA position 3724, C replaced by A.
Protein change: p.Pro1242Thr; replaces proline 1242 with threonine.
Molecular consequence: missense variant. On other transcripts: intron variant (56).
Genome position (GRCh38, 1-based): chr6:72,290,848, C>A. VCF-style: chr6-72290848-C-A. GRCh37 (hg19) VCF-style: chr6-73000551-C-A.
Other names: c.1780C>A, p.Pro594Thr (NM_001350431.2); c.1867C>A, p.Pro623Thr (NM_001350438.2, NM_001350456.2); c.1870C>A, p.Pro624Thr (NM_001350442.2, NM_001350446.2); c.1729C>A, p.Pro577Thr (NM_001350462.2); c.1632-1086C>A (NM_001350428.2); c.1560-1086C>A (NM_001350459.2, NM_001350424.2); c.1641-1086C>A (NM_001350437.2); c.1782-1086C>A (NM_001350445.2, NM_001350415.2); and 31 more; short protein forms P623T, P624T, P577T, P600T, P594T, P1242T.
Identifiers: ClinVar variation 3654301 (VCV003654301.2).
Genomic context (GRCh38, chr6:72,290,848, plus strand): 5'-AGTATCAGAACACTGTGTTCTATGCACCACCTTGTCCCTGGAGGGTCGGCGCCACCTTCT[C>A]CGCTTCTGACAAGGTCGCTATTCAGTGTCCCCCTCAGCATTCATGTCCTGCCTCCGGGTG-3'
Protein context (NP_055804.2, residues 1232-1252): LVPGGSAPPS[Pro1242Thr]LLTRMHRQRS

ClinVar aggregate classification (germline): Uncertain significance (1 of 4 stars; one submission).

Submission:

Labcorp Genetics (formerly Invitae), Labcorp
Classification: Uncertain significance. Last evaluated: 2024-05-28. Review status: criteria provided, single submitter. Criteria: Invitae Variant Classification Sherloc (09022015). Collection method: clinical testing. Allele origin: germline.
Comment: This sequence change replaces proline, which is neutral and non-polar, with threonine, which is neutral and polar, at codon 1242 of the RIMS1 protein (p.Pro1242Thr). This variant is not present in population databases (gnomAD no frequency). This variant has not been reported in the literature in individuals affected with RIMS1-related conditions. An algorithm developed to predict the effect of missense changes on protein structure and function (PolyPhen-2) suggests that this variant is likely to be disruptive. In summary, the available evidence is currently insufficient to determine the role of this variant in disease. Therefore, it has been classified as a Variant of Uncertain Significance.